The following is an entry in ClinVar:

NM_018979.4(WNK1):c.5846C>G (p.Thr1949Arg)

Gene: WNK1 (WNK lysine deficient protein kinase 1; plus strand). Cytogenetic location: 12p13.33.
Variant type: single nucleotide variant.
Coding change: c.5846C>G on transcript NM_018979.4 (MANE Select); coding-DNA position 5846, C replaced by G.
Protein change: p.Thr1949Arg; replaces threonine 1949 with arginine.
Molecular consequence: missense variant.
Genome position (GRCh38, 1-based): chr12:896,333, C>G. VCF-style: chr12-896333-C-G. GRCh37 (hg19) VCF-style: chr12-1005499-C-G.
Other names: c.6626C>G, p.Thr2209Arg (NM_001184985.2); c.5102C>G, p.Thr1701Arg (NM_014823.3); c.6602C>G, p.Thr2201Arg (NM_213655.5); short protein forms T1701R, T1949R, T2209R, T2201R.
Identifiers: ClinVar variation 1506603 (VCV001506603.6), dbSNP rs2154094631, ClinGen allele CA383335459.
Genomic context (GRCh38, chr12:896,333, plus strand): 5'-CTGCCTCAGAGGCAAAGTCAGACACTGGGCAGCCTACCAAGGTTGGACGTTTTCAGGTGA[C>G]AACTACAGCAAACAAAGTGGGTCGTTTCTCTGTATCAAAAACTGAGGACAAGATCACTGA-3'
Protein context (NP_061852.3, residues 1939-1959): QPTKVGRFQV[Thr1949Arg]TTANKVGRFS

ClinVar aggregate classification (germline): Uncertain significance (1 of 4 stars; one submission).

Conditions:
Neuropathy, hereditary sensory and autonomic, type 2A (HSAN2A). Also called: ACROOSTEOLYSIS, GIACCAI TYPE; ACROOSTEOLYSIS, NEUROGENIC; MORVAN DISEASE; NEUROPATHY, CONGENITAL SENSORY; NEUROPATHY, HEREDITARY SENSORY RADICULAR, AUTOSOMAL RECESSIVE; NEUROPATHY, HEREDITARY SENSORY, TYPE IIA. Identifiers: Orphanet 970, MedGen C2752089, MONDO:0024309, OMIM 201300.
Pseudohypoaldosteronism type 2C (PHA2C). Also called: Pseudohypoaldosteronism Type IIC. Identifiers: Orphanet 757, Orphanet 88940, MedGen C1840391, MONDO:0013778, OMIM 614492.

gnomAD v4.1: 2 of 1,614,174 alleles (0.00012%); highest among the groups gnomAD compares: Non-Finnish European, 0.00017%; no homozygotes.

Submission:

Labcorp Genetics (formerly Invitae), Labcorp
Classification: Uncertain significance for Neuropathy, hereditary sensory and autonomic, type 2A; Pseudohypoaldosteronism type 2C. Last evaluated: 2021-10-11. Review status: criteria provided, single submitter. Criteria: Invitae Variant Classification Sherloc (09022015). Collection method: clinical testing. Allele origin: germline.
Comment: This sequence change replaces threonine with arginine at codon 2201 of the WNK1 protein (p.Thr2201Arg). The threonine residue is highly conserved and there is a moderate physicochemical difference between threonine and arginine. This variant is not present in population databases (ExAC no frequency). In summary, the available evidence is currently insufficient to determine the role of this variant in disease. Therefore, it has been classified as a Variant of Uncertain Significance. Algorithms developed to predict the effect of sequence changes on RNA splicing suggest that this variant may create or strengthen a splice site. Advanced modeling of protein sequence and biophysical properties (such as structural, functional, and spatial information, amino acid conservation, physicochemical variation, residue mobility, and thermodynamic stability) performed at Invitae indicates that this missense variant is not expected to disrupt WNK1 protein function. This variant has not been reported in the literature in individuals affected with WNK1-related conditions.